The following is an entry in ClinVar:

ClinVar aggregate classification (germline): Uncertain significance (1 of 4 stars; one submission).

gnomAD v4.1: 1 of 1,612,348 alleles (0.000062%); highest among the groups gnomAD compares: Non-Finnish European, 0.000085%; no homozygotes.

Submission:

Labcorp Genetics (formerly Invitae), Labcorp
Classification: Uncertain significance. Last evaluated: 2022-06-13. Review status: criteria provided, single submitter. Criteria: Invitae Variant Classification Sherloc (09022015). Collection method: clinical testing. Allele origin: germline.
Comment: In summary, the available evidence is currently insufficient to determine the role of this variant in disease. Therefore, it has been classified as a Variant of Uncertain Significance. Algorithms developed to predict the effect of missense changes on protein structure and function are either unavailable or do not agree on the potential impact of this missense change (SIFT: "Deleterious"; PolyPhen-2: "Possibly Damaging"; Align-GVGD: "Class C0"). This variant has not been reported in the literature in individuals affected with MSH3-related conditions. This variant is not present in population databases (gnomAD no frequency). This sequence change replaces serine, which is neutral and polar, with tryptophan, which is neutral and slightly polar, at codon 186 of the MSH3 protein (p.Ser186Trp).

NM_002439.5(MSH3):c.557C>G (p.Ser186Trp)

Gene: MSH3 (mutS homolog 3; plus strand). Cytogenetic location: 5q14.1.
Variant type: single nucleotide variant.
Coding change: c.557C>G on transcript NM_002439.5 (MANE Select); coding-DNA position 557, C replaced by G.
Protein change: p.Ser186Trp; replaces serine 186 with tryptophan.
Molecular consequence: missense variant.
Genome position (GRCh38, 1-based): chr5:80,665,341, C>G. VCF-style: chr5-80665341-C-G. GRCh37 (hg19) VCF-style: chr5-79961160-C-G.
Other names: short protein forms S186W.
Identifiers: ClinVar variation 1424162 (VCV001424162.6), dbSNP rs750366331, ClinGen allele CA360264534.